The following is an entry in ClinVar:

ClinVar aggregate classification (germline): Uncertain significance (1 of 4 stars; one submission).

Conditions:
Cardiac, facial, and digital anomalies with developmental delay. Identifiers: Orphanet 592570, MedGen C4748484, MONDO:0032572, OMIM 618164.

Allele frequency attached by ClinVar (database versions not stated): TOPMed below 0.00001; gnomAD 0.00001.
gnomAD v4.1: 2 of 1,613,170 alleles (0.00012%); highest among the groups gnomAD compares: Non-Finnish European, 0.000085%; no homozygotes.

Submission:

Baylor Genetics
Classification: Uncertain significance for Cardiac, facial, and digital anomalies with developmental delay. Last evaluated: 2019-07-17. Review status: criteria provided, single submitter. Criteria: ACMG Guidelines, 2015. Collection method: clinical testing. Allele origin: de novo. Affected: yes.
Comment: This variant was determined to be of uncertain significance according to ACMG Guidelines, 2015 [PMID:25741868].

NM_032271.3(TRAF7):c.1063C>T (p.Arg355Trp)

Gene: TRAF7 (TNF receptor associated factor 7; plus strand). Cytogenetic location: 16p13.3.
Variant type: single nucleotide variant.
Coding change: c.1063C>T on transcript NM_032271.3 (MANE Select); coding-DNA position 1063, C replaced by T.
Protein change: p.Arg355Trp; replaces arginine 355 with tryptophan.
Molecular consequence: missense variant.
Genome position (GRCh38, 1-based): chr16:2,173,531, C>T. VCF-style: chr16-2173531-C-T. GRCh37 (hg19) VCF-style: chr16-2223532-C-T.
Other names: short protein forms R355W.
Identifiers: ClinVar variation 1030021 (VCV001030021.1), dbSNP rs2093122295, ClinGen allele CA394327195.